The following is an entry in ClinVar:

ClinVar aggregate classification (germline): Uncertain significance (1 of 4 stars; one submission).

Conditions:
Bethlem myopathy 1A. Also called: MYOPATHY, BENIGN CONGENITAL, WITH CONTRACTURES; Bethlem myopathy 1; Bethlem Muscular Dystrophy. Identifiers: Orphanet 610, MedGen CN029274, MONDO:0024530, OMIM 158810.

Allele frequency attached by ClinVar (database versions not stated): gnomAD exomes below 0.00001.
gnomAD v4.1: 1 of 1,613,880 alleles (0.000062%); highest among the groups gnomAD compares: Non-Finnish European, 0.000085%; no homozygotes.

Submission:

Labcorp Genetics (formerly Invitae), Labcorp
Classification: Uncertain significance for Bethlem myopathy 1A. Last evaluated: 2022-02-23. Review status: criteria provided, single submitter. Criteria: Invitae Variant Classification Sherloc (09022015). Collection method: clinical testing. Allele origin: germline.
Comment: This sequence change falls in intron 32 of the COL6A3 gene. It does not directly change the encoded amino acid sequence of the COL6A3 protein. It affects a nucleotide within the consensus splice site. This variant is not present in population databases (gnomAD no frequency). This variant has not been reported in the literature in individuals affected with COL6A3-related conditions. Variants that disrupt the consensus splice site are a relatively common cause of aberrant splicing (PMID: 17576681, 9536098). Algorithms developed to predict the effect of sequence changes on RNA splicing suggest that this variant may disrupt the consensus splice site. In summary, the available evidence is currently insufficient to determine the role of this variant in disease. Therefore, it has been classified as a Variant of Uncertain Significance.

Literature cited by the submitters: PubMed 17576681; PubMed 9536098.

NM_004369.4(COL6A3):c.7092+5G>A

Gene: COL6A3 (collagen type VI alpha 3 chain; minus strand). Cytogenetic location: 2q37.3.
Variant type: single nucleotide variant.
Coding change: c.7092+5G>A on transcript NM_004369.4 (MANE Select); 5 bases into the intron after coding-DNA position 7092, G replaced by A.
Molecular consequence: intron variant.
Genome position (GRCh38, 1-based): chr2:237,346,498, C>T on the plus strand (G>A on the coding strand, the complement: COL6A3 is on the minus strand). VCF-style: chr2-237346498-C-T. GRCh37 (hg19) VCF-style: chr2-238255141-C-T.
Other names: c.5271+5G>A (NM_057166.5); c.6474+5G>A (NM_057167.4).
Identifiers: ClinVar variation 2102487 (VCV002102487.4), dbSNP rs2469821939, ClinGen allele CA2577289802.
Genomic context (GRCh38, chr2:237,346,498, plus strand): 5'-TTTCAGGGACCACGTGTAAAGCACCCAGCCCCAGGTGGCCGGGTCAGAACTGGATAAATA[C>T]TTACAGCTGGTCCTGGGTAGCCAGGGTCTCCCTTCTGTCCAACTATCCCTGGAGGTCCCG-3'